The following is an entry in ClinVar:

ClinVar aggregate classification (germline): Conflicting classifications of pathogenicity. Review status: criteria provided, conflicting classifications (1 of 4 stars). 3 submissions from 3 submitters: Uncertain significance (1); Likely benign (2). Last evaluated 2025-10-14.

Conditions:
Sarcoglycanopathy. Identifiers: Orphanet 207052, MedGen C2936331, MONDO:0016140.
SGCA-related disorder. Also called: SGCA-related condition.
Autosomal recessive limb-girdle muscular dystrophy type 2D (LGMDR3). Also called: ADHALINOPATHY, PRIMARY; MUSCULAR DYSTROPHY, LIMB-GIRDLE, AUTOSOMAL RECESSIVE 3; DUCHENNE-LIKE AUTOSOMAL RECESSIVE MUSCULAR DYSTROPHY, TYPE 2. Identifiers: Orphanet 62, MedGen C2936332, MONDO:0011968, OMIM 608099. Disease mechanism: Affects gamma-sarcoglycan and also disrupts the integrity of the entire sarcoglycan complex..

Allele frequency attached by ClinVar (database versions not stated): gnomAD exomes 0.00004 and 0.00010; ExAC 0.00005; gnomAD 0.00005 and 0.00006; TOPMed 0.00006.

Submissions (3):

Labcorp Genetics (formerly Invitae), Labcorp
Classification: Likely benign for Autosomal recessive limb-girdle muscular dystrophy type 2D. Last evaluated: 2025-10-14. Review status: criteria provided, single submitter. Criteria: Invitae Variant Classification Sherloc (09022015). Collection method: clinical testing. Allele origin: germline.

PreventionGenetics, part of Exact Sciences
Classification: Likely benign for SGCA-related condition. Last evaluated: 2025-02-18. Review status: criteria provided, single submitter. Criteria: ACMG Guidelines, 2015. Collection method: clinical testing. Allele origin: germline.
Comment: This variant is classified as likely benign based on ACMG/AMP sequence variant interpretation guidelines (Richards et al. 2015 PMID: 25741868, with internal and published modifications).

Illumina Laboratory Services, Illumina
Classification: Uncertain significance for Sarcoglycanopathy. Last evaluated: 2018-01-12. Review status: criteria provided, single submitter. Criteria: ICSL Variant Classification Criteria 13 December 2019. Collection method: clinical testing. Allele origin: germline.

NM_000023.4(SGCA):c.648C>T (p.Pro216=)

Gene: SGCA (sarcoglycan alpha; plus strand). Cytogenetic location: 17q21.33.
Variant type: single nucleotide variant.
Coding change: c.648C>T on transcript NM_000023.4 (MANE Select); coding-DNA position 648, C replaced by T.
Protein change: p.Pro216=; no amino-acid change (proline 216 retained).
Molecular consequence: synonymous variant. On other transcripts: non-coding transcript variant (1), intron variant (1).
Genome position (GRCh38, 1-based): chr17:50,169,155, C>T. VCF-style: chr17-50169155-C-T. GRCh37 (hg19) VCF-style: chr17-48246516-C-T.
Other names: c.584+583C>T (NM_001135697.3); c.648C>T (NM_000023.3).
Identifiers: ClinVar variation 324043 (VCV000324043.14), dbSNP rs758813493, ClinGen allele CA8643854.